The following is an entry in ClinVar:

ClinVar aggregate classification (germline): Uncertain significance (1 of 4 stars; one submission).

Conditions:
Familial cancer of breast. Also called: BREAST CANCER, FAMILIAL; hereditary breast carcinoma; Hereditary breast cancer. Identifiers: Orphanet 227535, MedGen C0346153, MONDO:0016419, OMIM 114480. Disease mechanism: loss of function.
Fanconi anemia complementation group J. Also called: BRIP1-Related Fanconi Anemia. Identifiers: Orphanet 84, MedGen C1836860, MONDO:0012187, OMIM 609054.

Submission:

Labcorp Genetics (formerly Invitae), Labcorp
Classification: Uncertain significance for Familial cancer of breast; Fanconi anemia complementation group J. Last evaluated: 2023-01-17. Review status: criteria provided, single submitter. Criteria: Invitae Variant Classification Sherloc (09022015). Collection method: clinical testing. Allele origin: unknown.
Comment: In summary, the available evidence is currently insufficient to determine the role of this variant in disease. Therefore, it has been classified as a Variant of Uncertain Significance. This variant has not been reported in the literature in individuals affected with BRIP1-related conditions. This variant results in a copy number gain of the genomic region encompassing exon(s) 2-7 of the BRIP1 gene. This region includes the initiator codon of the gene. This copy number gain extends beyond the assayed region for this gene and therefore may encompass additional genes. As the precise location of this event is unknown, it may be in tandem or it may be located elsewhere in the genome.

NC_000017.10:g.(?_59885808)_(59938900_?)dup

Gene: BRIP1 (BRCA1 interacting DNA helicase 1; minus strand). Cytogenetic location: 17q23.2.
Variant type: Duplication.
Identifiers: ClinVar variation 3242963 (VCV003242963.1).